The following is an entry in ClinVar:

ClinVar aggregate classification (germline): Likely pathogenic (1 of 4 stars; one submission).

Submission:

CeGaT Center for Human Genetics Tuebingen
Classification: Likely pathogenic. Last evaluated: 2024-05-01. Review status: criteria provided, single submitter. Criteria: CeGaT Center For Human Genetics Tuebingen Variant Classification Criteria Version 2. Collection method: clinical testing. Allele origin: germline. Affected: yes. Observed: 1 variant allele.
Comment: BCOR: PVS1:Strong, PM2

NM_001123385.2(BCOR):c.4957_4968delinsTTACCATGTTATAACAT (p.Gln1653fs)

Gene: BCOR (BCL6 corepressor; minus strand). Cytogenetic location: Xp11.4.
Variant type: Indel.
Coding change: c.4957_4968delinsTTACCATGTTATAACAT on transcript NM_001123385.2 (MANE Select); coding-DNA positions 4957 to 4968, CAAGTATCTGTG replaced by TTACCATGTTATAACAT.
Protein change: p.Gln1653fs; shifts the reading frame from glutamine 1653.
Molecular consequence: frameshift variant.
Genome position (GRCh38, 1-based): chrX:40,053,894-40,053,905, CACAGATACTTG replaced by ATGTTATAACATGGTAA on the plus strand (CAAGTATCTGTG replaced by TTACCATGTTATAACAT on the coding strand, the reverse complement: BCOR is on the minus strand). VCF-style: chrX-40053894-CACAGATACTTG-ATGTTATAACATGGTAA. GRCh37 (hg19) VCF-style: chrX-39913147-CACAGATACTTG-ATGTTATAACATGGTAA.
Other names: c.4855_4866delCAAGTATCTGTGinsTTACCATGTTATAACAT, p.Gln1619Leufs (NM_001123383.2); c.4801_4812delinsTTACCATGTTATAACAT, p.Gln1601fs (NM_001123384.2); c.4855_4866delinsTTACCATGTTATAACAT, p.Gln1619fs (NM_017745.6); short protein forms Q1601fs, Q1619fs, Q1653fs.
Identifiers: ClinVar variation 3239618 (VCV003239618.19), dbSNP rs2519282194.